The following is an entry in ClinVar:

NM_001085411.3(NADK2):c.389+6T>C

Gene: NADK2 (NAD kinase 2, mitochondrial; minus strand). Cytogenetic location: 5p13.2.
Variant type: single nucleotide variant.
Coding change: c.389+6T>C on transcript NM_001085411.3 (MANE Select); 6 bases into the intron after coding-DNA position 389, T replaced by C.
Molecular consequence: intron variant.
Genome position (GRCh38, 1-based): chr5:36,227,471, A>G on the plus strand (T>C on the coding strand, the complement: NADK2 is on the minus strand). VCF-style: chr5-36227471-A-G. GRCh37 (hg19) VCF-style: chr5-36227573-A-G.
Other names: c.-101+6T>C (NM_153013.5, NM_001287341.2, NM_001287340.2).
Identifiers: ClinVar variation 515746 (VCV000515746.5), dbSNP rs756013479, ClinGen allele CA3234760.

ClinVar aggregate classification (germline): Conflicting classifications of pathogenicity. Review status: criteria provided, conflicting classifications (1 of 4 stars). 2 submissions from 2 submitters: Uncertain significance (1); Likely benign (1). Last evaluated 2023-09-09.

Conditions:
Progressive encephalopathy with leukodystrophy due to DECR deficiency. Identifiers: Orphanet 431361, MedGen C1857252, MONDO:0014464, OMIM 616034.

Allele frequency attached by ClinVar (database versions not stated): ExAC below 0.00001; gnomAD exomes 0.00001 and 0.00006; TOPMed 0.00006.
gnomAD v4.1: 9 of 1,471,508 alleles (0.00061%); highest among the groups gnomAD compares: Admixed American, 0.019%; no homozygotes.

Submissions (2):

Labcorp Genetics (formerly Invitae), Labcorp
Classification: Uncertain significance for Progressive encephalopathy with leukodystrophy due to DECR deficiency. Last evaluated: 2023-09-09. Review status: criteria provided, single submitter. Criteria: Invitae Variant Classification Sherloc (09022015). Collection method: clinical testing. Allele origin: germline.
Comment: This sequence change falls in intron 2 of the NADK2 gene. It does not directly change the encoded amino acid sequence of the NADK2 protein. It affects a nucleotide within the consensus splice site. This variant is present in population databases (rs756013479, gnomAD 0.03%). This variant has not been reported in the literature in individuals affected with NADK2-related conditions. ClinVar contains an entry for this variant (Variation ID: 515746). Variants that disrupt the consensus splice site are a relatively common cause of aberrant splicing (PMID: 17576681, 9536098). Algorithms developed to predict the effect of sequence changes on RNA splicing suggest that this variant is not likely to affect RNA splicing. In summary, the available evidence is currently insufficient to determine the role of this variant in disease. Therefore, it has been classified as a Variant of Uncertain Significance.

GeneDx
Classification: Likely benign. Last evaluated: 2018-03-02. Review status: criteria provided, single submitter. Criteria: GeneDx Variant Classification (06012015). Collection method: clinical testing. Allele origin: germline. Affected: yes.
Comment: This variant is considered likely benign or benign based on one or more of the following criteria: it is a conservative change, it occurs at a poorly conserved position in the protein, it is predicted to be benign by multiple in silico algorithms, and/or has population frequency not consistent with disease.

Literature cited by the submitters: PubMed 17576681 (cited by Labcorp Genetics (formerly Invitae), Labcorp); PubMed 9536098 (cited by Labcorp Genetics (formerly Invitae), Labcorp).